The following is an entry in ClinVar:

NM_004333.6(BRAF):c.958G>A (p.Ala320Thr)

Gene: BRAF (B-Raf proto-oncogene, serine/threonine kinase; minus strand). Cytogenetic location: 7q34.
Variant type: single nucleotide variant.
Coding change: c.958G>A on transcript NM_004333.6 (MANE Select); coding-DNA position 958, G replaced by A.
Protein change: p.Ala320Thr; replaces alanine 320 with threonine.
Molecular consequence: missense variant.
Genome position (GRCh38, 1-based): chr7:140,800,384, C>T on the plus strand (G>A on the coding strand, the complement: BRAF is on the minus strand). VCF-style: chr7-140800384-C-T. GRCh37 (hg19) VCF-style: chr7-140500184-C-T.
Other names: c.958G>A, p.Ala320Thr (NM_001354609.2, NM_001374244.1, NM_001374258.1 and 4 more transcripts); c.967G>A, p.Ala323Thr (NM_001378467.1); c.856G>A, p.Ala286Thr (NM_001378470.1); c.802G>A, p.Ala268Thr (NM_001378472.1, NM_001378473.1); c.694G>A, p.Ala232Thr (NM_001378475.1); short protein forms A268T, A320T, A286T, A232T, A323T.
Identifiers: ClinVar variation 839799 (VCV000839799.8), dbSNP rs1461617552, ClinGen allele CA369590351.

ClinVar aggregate classification (germline): Uncertain significance. Review status: criteria provided, multiple submitters, no conflicts (2 of 4 stars). 2 submissions from 2 submitters: Uncertain significance (2). Last evaluated 2024-02-23.

Conditions:
Cardiofaciocutaneous syndrome 1 (CFC1). Also called: BRAF-Related Cardiofaciocutaneous Syndrome; MAP2K1-Related Cardiofaciocutaneous Syndrome; KRAS-Related Cardiofaciocutaneous Syndrome; MAP2K2-Related Cardiofaciocutaneous Syndrome. Identifiers: Orphanet 1340, MedGen CN029449, MONDO:0007265, OMIM 115150. Disease mechanism: gain of function.
Melanoma, cutaneous malignant, susceptibility to, 1 (CMM1). Also called: DYSPLASTIC NEVUS SYNDROME, HEREDITARY; FAMILIAL ATYPICAL MOLE-MALIGNANT MELANOMA SYNDROME; B-K MOLE SYNDROME; MELANOMA, MALIGNANT. Identifiers: Orphanet 618, MedGen C1835047, MONDO:0007963, OMIM 155600.
Colorectal cancer. Also called: Colorectal cancer, somatic; Malignant Colorectal Neoplasm. Identifiers: MedGen C0346629, MONDO:0005575, OMIM 114500.
Noonan syndrome 7 (NS7). Also called: BRAF-Related Noonan Syndrome. Identifiers: Orphanet 648, MedGen C3150970, MONDO:0013379, OMIM 613706.
LEOPARD syndrome 3 (LPRD3). Identifiers: Orphanet 500, MedGen C3150971, MONDO:0013380, OMIM 613707.
Lung cancer. Also called: Lung cancer, somatic; Malignant tumor of lung. Identifiers: MedGen C0242379, MONDO:0008903, OMIM 211980.
RASopathy. Also called: rasopathies; Noonan spectrum disorder. Identifiers: Orphanet 536391, MedGen C5555857, MONDO:0021060.

Allele frequency attached by ClinVar (database versions not stated): gnomAD exomes below 0.00001.
gnomAD v4.1: 9 of 1,614,040 alleles (0.00056%); highest among the groups gnomAD compares: South Asian, 0.0011%; no homozygotes.

Submissions (2):

Fulgent Genetics
Classification: Uncertain significance for Colorectal cancer; Cardiofaciocutaneous syndrome 1; Melanoma, cutaneous malignant, susceptibility to, 1; Lung cancer; Noonan syndrome 7; LEOPARD syndrome 3. Last evaluated: 2024-02-23. Review status: criteria provided, single submitter. Criteria: ACMG Guidelines, 2015. Collection method: clinical testing. Allele origin: germline.

Labcorp Genetics (formerly Invitae), Labcorp
Classification: Uncertain significance for RASopathy. Last evaluated: 2022-08-23. Review status: criteria provided, single submitter. Criteria: Invitae Variant Classification Sherloc (09022015). Collection method: clinical testing. Allele origin: germline.
Comment: In summary, the available evidence is currently insufficient to determine the role of this variant in disease. Therefore, it has been classified as a Variant of Uncertain Significance. This sequence change replaces alanine, which is neutral and non-polar, with threonine, which is neutral and polar, at codon 320 of the BRAF protein (p.Ala320Thr). This variant is present in population databases (no rsID available, gnomAD 0.003%). This variant has not been reported in the literature in individuals affected with BRAF-related conditions. ClinVar contains an entry for this variant (Variation ID: 839799). Advanced modeling of protein sequence and biophysical properties (such as structural, functional, and spatial information, amino acid conservation, physicochemical variation, residue mobility, and thermodynamic stability) performed at Invitae indicates that this missense variant is not expected to disrupt BRAF protein function.